The following is an entry in ClinVar:

ClinVar aggregate classification (germline): Conflicting classifications of pathogenicity. Review status: criteria provided, conflicting classifications (1 of 4 stars). 3 submissions from 3 submitters: Uncertain significance (2); Likely benign (1). Last evaluated 2025-10-01.

Conditions:
Inborn genetic diseases. Identifiers: MedGen C0950123, MeSH D030342.

gnomAD v4.1: 146 of 1,613,974 alleles (0.009%); highest among the groups gnomAD compares: South Asian, 0.13%; no homozygotes.

Submissions (3):

Labcorp Genetics (formerly Invitae), Labcorp
Classification: Uncertain significance. Last evaluated: 2025-10-01. Review status: criteria provided, single submitter. Criteria: Invitae Variant Classification Sherloc (09022015). Collection method: clinical testing. Allele origin: germline.
Comment: This sequence change replaces arginine, which is basic and polar, with cysteine, which is neutral and slightly polar, at codon 1654 of the FAT1 protein (p.Arg1654Cys). This variant is present in population databases (rs533979319, gnomAD 0.1%). This variant has not been reported in the literature in individuals affected with FAT1-related conditions. An algorithm developed to predict the effect of missense changes on protein structure and function outputs the following: PolyPhen-2: "Benign". The cysteine amino acid residue is found in multiple mammalian species, which suggests that this missense change does not adversely affect protein function. In summary, the available evidence is currently insufficient to determine the role of this variant in disease. Therefore, it has been classified as a Variant of Uncertain Significance.

Ambry Genetics
Classification: Likely benign for Inborn genetic diseases. Last evaluated: 2025-06-16. Review status: criteria provided, single submitter. Criteria: Ambry Variant Classification Scheme 2023. Collection method: clinical testing. Allele origin: germline.

Blueprint Genetics
Classification: Uncertain significance. Last evaluated: 2024-04-02. Review status: criteria provided, single submitter. Criteria: ACMG Guidelines, 2015. Collection method: clinical testing. Allele origin: germline.

NM_005245.4(FAT1):c.4960C>T (p.Arg1654Cys)

Gene: FAT1 (FAT atypical cadherin 1; minus strand). Cytogenetic location: 4q35.2.
Variant type: single nucleotide variant.
Coding change: c.4960C>T on transcript NM_005245.4 (MANE Select); coding-DNA position 4960, C replaced by T.
Protein change: p.Arg1654Cys; replaces arginine 1654 with cysteine.
Molecular consequence: missense variant.
Genome position (GRCh38, 1-based): chr4:186,621,626, G>A on the plus strand (C>T on the coding strand, the complement: FAT1 is on the minus strand). VCF-style: chr4-186621626-G-A. GRCh37 (hg19) VCF-style: chr4-187542780-G-A.
Other names: c.4960C>T, p.Arg1654Cys (NM_001440455.1, NM_001440456.1, NM_001440457.1); short protein forms R1654C.
Identifiers: ClinVar variation 4255011 (VCV004255011.3).
Genomic context (GRCh38, chr4:186,621,626, plus strand): 5'-CAGAATATTCTTTTGATGTAAACTTCGGAGAGGCGTTGTCAGCAATTGTGACAAAGATAC[G>A]CACAGAAGTTATTTCACTCATTGGTGGACTGCCCTTATCTGTAGCTTTTACCATTAAATC-3'
Protein context (NP_005236.2, residues 1644-1664): SPPMSEITSV[Arg1654Cys]IFVTIADNAS